The following continues an entry in ClinVar:

NM_000492.4(CFTR):c.1054C>T (p.Arg352Trp)

Gene: CFTR. ClinVar aggregate classification (germline): Conflicting classifications of pathogenicity. Pathogenic (1); Likely pathogenic (7); Uncertain significance (7).

Submissions 5 to 15 of 15:

Ambry Genetics
Classification: Likely pathogenic for Cystic fibrosis. Last evaluated: 2025-12-08. Review status: criteria provided, single submitter. Criteria: Ambry Variant Classification Scheme 2023. Collection method: clinical testing. Allele origin: germline.
Comment: The p.R352W variant (also known as c.1054C>T), located in coding exon 8 of the CFTR gene, results from a C to T substitution at nucleotide position 1054. The arginine at codon 352 is replaced by tryptophan, an amino acid with dissimilar properties. In individuals with abnormal newborn screening results, this variant was identified in conjunction with p.F508del (phase unknown) in two individuals (Lilley M et al. Paediatr Child Health, 2010 Nov;15:590-4; Castellani C et al. Arch Dis Child, 2017 07;102:644-646) and was identified as part of a complex allele p.[R352W;P750L] and in trans with p.F508del in two individuals (McGinniss MJ et al. Hum Genet, 2005 Dec;118:331-8; Soultan ZN et al. J Pediatr, 2008 Dec;153:857-9). This variant has been reported in multiple individuals with an elevated sweat chloride level and classified as a variant of varying clinical consequences (VVCC) in The Clinical and Functional TRanslation of CFTR (CFTR2) database (available at CFTR2. Accessed 11/26/2024). In multiple assays testing CFTR function, this variant showed functionally abnormal results (CFTR2; Bihler H et al. J Cyst Fibros, 2024 Jul;23:664-675). Based on internal structural analysis, this variant disrupts a characteristic residue critical for function (Aubin CN et al. J. Gen. Physiol., 2006 Nov;128:535-45; Cui G et al. J. Membr. Biol., 2008 Mar;222:91-106; Mornon JP et al. Cell. Mol. Life Sci., 2015 Apr;72:1377-403; Liu F et al. Cell, 2017 03;169:85-95.e8). Other variant(s) at the same codon, p.R352Q, have been identified in individual(s) with features consistent with cystic fibrosis or CFTR-related disorders (Cremonesi L et al. Hum Mutat, 1992;1:314-9; Steiner B et al. Hum Mutat, 2011 Aug;32:912-20; Zitkiewicz E et al. PLoS One, 2014 Feb;9:e89094). This amino acid position is highly conserved in available vertebrate species. In addition, this alteration is predicted to be deleterious by in silico analysis. Based on available evidence to date, this variant is unlikely to be causative of classic cystic fibrosis; however, it likely contributes to the development of a CFTR-related disorder. This alteration is thus classified as likely pathogenic.

Natera, Inc.
Classification: Likely pathogenic for CFTR-related disorders. Last evaluated: 2025-11-27. Review status: criteria provided, single submitter. Criteria: Natera Variant Classification Schema (03/2026). Collection method: clinical testing. Allele origin: germline.
Comment: The c.1054C>T variant in CFTR is a missense variant predicted to cause substitution of arginine to tryptophan at amino acid 352. This variant is rare in the general population with a frequency below the threshold expected for the associated phenotype(s). This variant has been observed in one or more individuals affected with the associated recessive disease, as either homozygous or compound heterozygous with a second variant (PMID: 38933680, 30888834). Functional studies show that this variant may disrupt protein function (PMID: 38388235). A different variant at the same position has been determined to be Pathogenic or Likely Pathogenic. Computational prediction algorithms indicate this variant is likely to affect gene or protein function. Given the available evidence, this variant is classified as Likely Pathogenic.

Otogenetics
Classification: Likely pathogenic for Cystic fibrosis; Congenital bilateral aplasia of vas deferens from CFTR mutation. Last evaluated: 2025-10-03. Review status: criteria provided, single submitter. Criteria: ACMG Guidelines, 2015. Collection method: clinical testing. Allele origin: germline.
Comment: PM2: Maximum gnomAD MAF of 0.2965% in American (AMR) subpopulation (<0.296% threshold); PM3: Variant reported in trans with another pathogenic variant in a patient affected with CFTR-related disorders (PMID: 19897426); PM5: Pathogenic missense amino acid change occurs in same position: c.1055G>A;p.Arg352Gln (PMID: 1284538); PP3: In-silico models predict deleterious effect (Revel = 0.8, BayesDel = 0.38)

GeneDx
Classification: Uncertain significance. Last evaluated: 2025-08-21. Review status: criteria provided, single submitter. Criteria: GeneDx Variant Classification Process June 2021. Collection method: clinical testing. Allele origin: germline. Affected: yes.
Comment: Classified as a variant of varying clinical consequence in a well-curated database (CFTR2); Observed in multiple unrelated individuals with clinical features of cystic fibrosis or congenital absence of the vas deferens, some who also harbored second CFTR variants, but familial segregation information and additional clinical information was not included (PMID: 15858154, 19897426, 12752573); Observed in infants ascertained through newborn screening with negative or borderline sweat chloride test results, who also harbored additional CFTR variants, but segregation data was absent for some of these individuals (PMID: 22043142, 19014821); Published functional studies suggest a damaging effect on chloride channel activity (PMID: 38388235); In silico analysis suggests that this missense variant does not alter protein structure/function; This variant is associated with the following publications: (PMID: 19897426, 34405919, 21228398, 18421494, 10094564, 12752573, 16126774, 22043142, 29805046, 30888834, 36409994, 36670555, 17272608, 16189704, 38933680, 19014821, 15858154, 38388235, 38515211, 27659740, 23891399)

ARUP Laboratories, Molecular Genetics and Genomics, ARUP Laboratories
Classification: Likely pathogenic for Cystic fibrosis; Bronchiectasis with or without elevated sweat chloride 1; Hereditary pancreatitis; Congenital bilateral aplasia of vas deferens from CFTR mutation. Last evaluated: 2025-06-09. Review status: criteria provided, single submitter. Criteria: ARUP Molecular Germline Variant Investigation Process 2024. Collection method: clinical testing. Allele origin: germline.
Comment: The CFTR c.1054C>T; p.Arg352Trp variant (rs193922497) is reported in individuals with cystic fibrosis (CF) (Schrijver 2005), mildly elevated sweat chloride (McGinniss 2005), and congenital absence of the vas deferens (CBAVD) (Picci 2010). In an individual with CBAVD, this variant was reported in trans to the pathogenic p.Phe508del variant (Picci 2010). Further, in testing performed at ARUP Laboratories, the p.Arg352Trp variant has been observed in multiple individuals with CFTR-related disorders that carry a second pathogenic variant, though affected individuals primarily exhibit mild forms of disease instead of classic CF. This variant is reported in ClinVar (Variation ID: 35816) and it is found in the Admixed American population with an allele frequency of 0.3% (105/35414 alleles) in the Genome Aggregation Database (v2.1.1). Computational algorithms predict that this variant is deleterious (REVEL: 0.798). Functional analyses report chloride channel activity of 11% of wildtype (CFTR2 database) and an in vitro assay, using Fisher rat thyroid cells, demonstrate chloride channel conductance activity <10% compared to wildtype (Bihler 2024). Additionally, another variant in the same codon, p.Arg352Gln, is considered pathogenic (Sosnay 2013). Based on available information, the p.Arg352Trp variant is classified as likely pathogenic with varying clinical consequences. References: CFTR2 database: Bihler H et al. In vitro modulator responsiveness of 655 CFTR variants found in people with cystic fibrosis. J Cyst Fibros. 2024 Jul;23(4):664-675. PMID: 38388235. McGinniss M et al. Extensive sequencing of the CFTR gene: lessons learned from the first 157 patient samples. Hum Genet. 2005 Dec; 118(3-4):331-8. PMID: 16189704. Picci L et al. Identification of a D579G homozygote cystic fibrosis patient with pancreatic sufficiency and minor lung involvement. Hum Mutat. 1999; 13(2):173. PMID: 10094564. Schrijver I et al. Diagnostic testing by CFTR gene mutation analysis in a large group of Hispanics: novel mutations and assessment of a population-specific mutation spectrum. J Mol Diagn. 2005; 7(2):289-99. PMID: 15858154. Sosnay P et al. Defining the disease liability of variants in the cystic fibrosis transmembrane conductance regulator gene. Nat Genet. 2013; 45(10):1160-7. PMID: 23974870.

Johns Hopkins Genomics, Johns Hopkins University
Classification: Likely pathogenic for Cystic fibrosis. Last evaluated: 2024-02-29. Review status: criteria provided, single submitter. Criteria: ACMG Guidelines, 2015. Collection method: clinical testing. Allele origin: germline.
Comment: CFTR variant associated with varying clinical consequence. See CFTR2 for phenotype information.

Revvity Omics, Revvity
Classification: Uncertain significance. Last evaluated: 2023-04-11. Review status: criteria provided, single submitter. Criteria: ACMG Guidelines, 2015. Collection method: clinical testing. Allele origin: germline.

Quest Diagnostics Nichols Institute San Juan Capistrano
Classification: Uncertain significance. Last evaluated: 2023-02-22. Review status: criteria provided, single submitter. Criteria: Quest Diagnostics criteria. Collection method: clinical testing. Allele origin: unknown.
Comment: The frequency of this variant in the general population, 0.003 (105/35414 chromosomes), is uninformative in assessment of its pathogenicity. In the published literature, the variant has been reported in individuals with cystic fibrosis (CF) (PMID: 12752573 (2003), 16784904 (2007), 17272608 (2007)). It was also reported in an individual with congenital bilateral absence of the vas deferens (CVABD) (PMID: 19897426 (2010)), an individual atypical CF (PMID: 16189704 (2005)), and multiple individuals with borderline/elevated sweat chloride results (PMID: 19014821 (2008), 22043142 (2010)). It was also identified in healthy, unaffected individuals (PMID: 16126774 (2005), 26755536 (2019)). An in vitro study found that this variant in combination with the CFTR p.Phe508del variant resulted in 12.1% of normal CFTR activity, however, the effect of this variant alone on CFTR protein function/activity was not established (PMID: 30888834 (2019)). Analysis of this variant using bioinformatics tools for the prediction of the effect of amino acid changes on protein structure and function yielded predictions that this variant is damaging. Based on the available information, we are unable to determine the clinical significance of this variant.

Genome-Nilou Lab
Classification: Uncertain significance for Cystic fibrosis. Last evaluated: 2021-07-22. Review status: criteria provided, single submitter. Criteria: ACMG Guidelines, 2015. Collection method: clinical testing. Allele origin: germline. Affected: no.

Mayo Clinic Laboratories, Mayo Clinic
Classification: Uncertain significance. Last evaluated: 2021-05-20. Review status: criteria provided, single submitter. Criteria: ACMG Guidelines, 2015. Collection method: clinical testing. Allele origin: germline.

Eurofins Ntd Llc (ga)
Classification: Uncertain significance. Last evaluated: 2017-03-08. Review status: criteria provided, single submitter. Criteria: EGL Classification Definitions 2015. Collection method: clinical testing. Allele origin: germline. Observed: 1 variant allele, 1 heterozygote.

Literature cited by the submitters: PubMed 15858154 (cited by 3 submitters); PubMed 19897426 (cited by 5 submitters); PubMed 16189704 (cited by 3 submitters); PubMed 18421494 (cited by 3 submitters); PubMed 21228398 (cited by Women's Health and Genetics/Laboratory Corporation of America, LabCorp); PubMed 12752573 (cited by Women's Health and Genetics/Laboratory Corporation of America, LabCorp and Quest Diagnostics Nichols Institute San Juan Capistrano); PubMed 22043142 (cited by 3 submitters); PubMed 16784904 (cited by Women's Health and Genetics/Laboratory Corporation of America, LabCorp and Quest Diagnostics Nichols Institute San Juan Capistrano); PubMed 11504857 (cited by Women's Health and Genetics/Laboratory Corporation of America, LabCorp and Quest Diagnostics Nichols Institute San Juan Capistrano); PubMed 17272608 (cited by Women's Health and Genetics/Laboratory Corporation of America, LabCorp and Quest Diagnostics Nichols Institute San Juan Capistrano); PubMed 10220340 (cited by Women's Health and Genetics/Laboratory Corporation of America, LabCorp and Quest Diagnostics Nichols Institute San Juan Capistrano); PubMed 26574590 (cited by 3 submitters); PubMed 26755536 (cited by 3 submitters); PubMed 25880441 (cited by Women's Health and Genetics/Laboratory Corporation of America, LabCorp); PubMed 29805046 (cited by Women's Health and Genetics/Laboratory Corporation of America, LabCorp); PubMed 30888834 (cited by 3 submitters); PubMed 36409994 (cited by Women's Health and Genetics/Laboratory Corporation of America, LabCorp); PubMed 38388235 (cited by 3 submitters); PubMed 37217688 (cited by Women's Health and Genetics/Laboratory Corporation of America, LabCorp); PubMed 7544319 (cited by Labcorp Genetics (formerly Invitae), Labcorp); PubMed 20522854 (cited by Labcorp Genetics (formerly Invitae), Labcorp); PubMed 27086061 (cited by Labcorp Genetics (formerly Invitae), Labcorp); PubMed 28646244 (cited by Labcorp Genetics (formerly Invitae), Labcorp); PubMed 17043152 (cited by Ambry Genetics); PubMed 19014821 (cited by Ambry Genetics and Quest Diagnostics Nichols Institute San Juan Capistrano); PubMed 25287046 (cited by Ambry Genetics); PubMed 28340353 (cited by Ambry Genetics); PubMed 38933680 (cited by Natera, Inc.); PubMed 1284538 (cited by Otogenetics); PubMed 16126774 (cited by Quest Diagnostics Nichols Institute San Juan Capistrano).